The following is an entry in ClinVar:

NM_014159.7(SETD2):c.4370C>G (p.Pro1457Arg)

Gene: SETD2 (SET domain containing 2, histone lysine methyltransferase; minus strand). Cytogenetic location: 3p21.31.
Variant type: single nucleotide variant.
Coding change: c.4370C>G on transcript NM_014159.7 (MANE Select); coding-DNA position 4370, C replaced by G.
Protein change: p.Pro1457Arg; replaces proline 1457 with arginine.
Molecular consequence: missense variant. On other transcripts: non-coding transcript variant (1).
Genome position (GRCh38, 1-based): chr3:47,120,266, G>C on the plus strand (C>G on the coding strand, the complement: SETD2 is on the minus strand). VCF-style: chr3-47120266-G-C. GRCh37 (hg19) VCF-style: chr3-47161756-G-C.
Other names: c.4238C>G, p.Pro1413Arg (NM_001349370.3); short protein forms P1413R, P1457R.
Identifiers: ClinVar variation 3363404 (VCV003363404.1).

ClinVar aggregate classification (germline): Uncertain significance (1 of 4 stars; one submission).

gnomAD v4.1: 12 of 1,609,044 alleles (0.00075%); highest among the groups gnomAD compares: Non-Finnish European, 0.001%; no homozygotes.

Submission:

GeneDx
Classification: Uncertain significance. Last evaluated: 2023-10-30. Review status: criteria provided, single submitter. Criteria: GeneDx Variant Classification Process June 2021. Collection method: clinical testing. Allele origin: germline. Affected: yes.
Comment: Not observed at significant frequency in large population cohorts (gnomAD); In silico analysis supports that this missense variant has a deleterious effect on protein structure/function; Has not been previously published as pathogenic or benign to our knowledge